The following is an entry in ClinVar:

NM_145331.3(MAP3K7):c.949+6T>C

Gene: MAP3K7 (mitogen-activated protein kinase kinase kinase 7; minus strand). Cytogenetic location: 6q15.
Variant type: single nucleotide variant.
Coding change: c.949+6T>C on transcript NM_145331.3 (MANE Select); 6 bases into the intron after coding-DNA position 949, T replaced by C.
Molecular consequence: intron variant.
Genome position (GRCh38, 1-based): chr6:90,550,462, A>G on the plus strand (T>C on the coding strand, the complement: MAP3K7 is on the minus strand). VCF-style: chr6-90550462-A-G. GRCh37 (hg19) VCF-style: chr6-91260181-A-G.
Other names: c.949+6T>C (NM_145333.3, NM_003188.4, NM_145332.3).
Identifiers: ClinVar variation 1896996 (VCV001896996.5), dbSNP rs776076582, ClinGen allele CA3928522.

ClinVar aggregate classification (germline): Uncertain significance (1 of 4 stars; one submission).

Allele frequency attached by ClinVar (database versions not stated): gnomAD 0.00001; gnomAD exomes 0.00001; ExAC 0.00002; TOPMed 0.00004.
gnomAD v4.1: 21 of 1,587,436 alleles (0.0013%); highest among the groups gnomAD compares: East Asian, 0.029%; no homozygotes.

Submission:

Labcorp Genetics (formerly Invitae), Labcorp
Classification: Uncertain significance. Last evaluated: 2022-07-03. Review status: criteria provided, single submitter. Criteria: Invitae Variant Classification Sherloc (09022015). Collection method: clinical testing. Allele origin: germline.
Comment: In summary, the available evidence is currently insufficient to determine the role of this variant in disease. Therefore, it has been classified as a Variant of Uncertain Significance. This sequence change falls in intron 9 of the MAP3K7 gene. It does not directly change the encoded amino acid sequence of the MAP3K7 protein. It affects a nucleotide within the consensus splice site. This variant is present in population databases (rs776076582, gnomAD 0.006%). This variant has not been reported in the literature in individuals affected with MAP3K7-related conditions. Variants that disrupt the consensus splice site are a relatively common cause of aberrant splicing (PMID: 17576681, 9536098). Algorithms developed to predict the effect of sequence changes on RNA splicing suggest that this variant is not likely to affect RNA splicing.

Literature cited by the submitters: PubMed 17576681; PubMed 9536098.